The following is an entry in ClinVar:

NM_015021.3(ZNF292):c.5760T>G (p.Phe1920Leu)

Gene: ZNF292 (zinc finger protein 292; plus strand). Cytogenetic location: 6q14.3.
Variant type: single nucleotide variant.
Coding change: c.5760T>G on transcript NM_015021.3 (MANE Select); coding-DNA position 5760, T replaced by G.
Protein change: p.Phe1920Leu; replaces phenylalanine 1920 with leucine.
Molecular consequence: missense variant.
Genome position (GRCh38, 1-based): chr6:87,259,389, T>G. VCF-style: chr6-87259389-T-G. GRCh37 (hg19) VCF-style: chr6-87969107-T-G.
Other names: c.5340T>G, p.Phe1780Leu (NM_001351444.2); short protein forms F1780L, F1920L.
Identifiers: ClinVar variation 2500419 (VCV002500419.2), dbSNP rs2482347539, ClinGen allele CA364933901.
Genomic context (GRCh38, chr6:87,259,389, plus strand): 5'-ACCCTTTGTGTGTCAAAACCAAGGCTGTAACTACAGTGCTATGACAAAGGATGCACTATT[T>G]AAGCACTATGGTAAAATTCATCAATACACTCCAGAAATGATTCTTGAAATTAAGAAGAAT-3'
Protein context (NP_055836.1, residues 1910-1930): NYSAMTKDAL[Phe1920Leu]KHYGKIHQYT

ClinVar aggregate classification (germline): Uncertain significance (1 of 4 stars; one submission).

gnomAD v4.1: 2 of 1,610,802 alleles (0.00012%); no homozygotes.

Submission:

GeneDx
Classification: Uncertain significance. Last evaluated: 2025-05-15. Review status: criteria provided, single submitter. Criteria: GeneDx Variant Classification Process June 2021. Collection method: clinical testing. Allele origin: germline.
Comment: Not observed at significant frequency in large population cohorts (gnomAD); In silico analysis suggests that this missense variant does not alter protein structure/function; Has not been previously published as pathogenic or benign to our knowledge